The following is an entry in ClinVar:

ClinVar aggregate classification (germline): Likely benign. Review status: criteria provided, multiple submitters, no conflicts (2 of 4 stars). 2 submissions from 2 submitters: Likely benign (2). Last evaluated 2026-01-01.

gnomAD v4.1: 2,632 of 1,595,790 alleles (0.16%); highest among the groups gnomAD compares: Middle Eastern, 1.3%; 11 homozygotes.

Submissions (2):

CeGaT Center for Human Genetics Tuebingen
Classification: Likely benign. Last evaluated: 2026-01-01. Review status: criteria provided, single submitter. Criteria: CeGaT Center For Human Genetics Tuebingen Variant Classification Criteria Version 2. Collection method: clinical testing. Allele origin: germline. Affected: yes. Observed: 3 variant alleles.
Comment: TAPBP: BP4

Blueprint Genetics
Classification: Likely benign. Last evaluated: 2024-11-21. Review status: criteria provided, single submitter. Criteria: ACMG Guidelines, 2015. Collection method: clinical testing. Allele origin: germline.

NM_003190.5(TAPBP):c.1335+126G>C

Gene: TAPBP (TAP binding protein; minus strand). Cytogenetic location: 6p21.32.
Variant type: single nucleotide variant.
Coding change: c.1335+126G>C on transcript NM_003190.5 (MANE Select); 126 bases into the intron after coding-DNA position 1335, G replaced by C.
Molecular consequence: intron variant. On other transcripts: missense variant (1).
Genome position (GRCh38, 1-based): chr6:33,303,829, C>G on the plus strand (G>C on the coding strand, the complement: TAPBP is on the minus strand). VCF-style: chr6-33303829-C-G. GRCh37 (hg19) VCF-style: chr6-33271606-C-G.
Other names: c.1461G>C, p.Trp487Cys (NM_172208.3); c.1074+126G>C (NM_172209.3); c.1300+299G>C (NM_001410875.1); short protein forms W487C.
Identifiers: ClinVar variation 3770557 (VCV003770557.14).